The following is an entry in ClinVar:

NM_000143.4(FH):c.330T>C (p.Tyr110=)

Gene: FH (fumarate hydratase; minus strand). Cytogenetic location: 1q43.
Variant type: single nucleotide variant.
Coding change: c.330T>C on transcript NM_000143.4 (MANE Select); coding-DNA position 330, T replaced by C.
Protein change: p.Tyr110=; no amino-acid change (tyrosine 110 retained).
Molecular consequence: synonymous variant.
Genome position (GRCh38, 1-based): chr1:241,513,651, A>G on the plus strand (T>C on the coding strand, the complement: FH is on the minus strand). VCF-style: chr1-241513651-A-G. GRCh37 (hg19) VCF-style: chr1-241676951-A-G.
Identifiers: ClinVar variation 1158831 (VCV001158831.12), dbSNP rs753962693, ClinGen allele CA1478713.
Genomic context (GRCh38, chr1:241,513,651, plus strand): 5'-ATCACCTCCTACCTCATCTGCTGCCTTCATTATTGCATTAGCAATCTTTGGATCAAGACC[A>G]TAATCCTGGTTTACTTCAGCGGCCGCTCGCTTCAAGATGCCAAAAGCTTTAATAACTGGG-3'
Protein context (NP_000134.2, residues 100-120): KRAAAEVNQD[Tyr110=]GLDPKIANAI

ClinVar aggregate classification (germline): Benign/Likely benign. Review status: criteria provided, multiple submitters, no conflicts (2 of 4 stars). 3 submissions from 3 submitters: Benign (1); Likely benign (2). Last evaluated 2024-10-17.

Conditions:
Hereditary cancer-predisposing syndrome. Also called: Tumor predisposition; Hereditary Cancer Syndrome; Hereditary neoplastic syndrome; Neoplastic Syndromes, Hereditary. Identifiers: Orphanet 140162, MedGen C0027672, MeSH D009386, MONDO:0015356.
Hereditary leiomyomatosis and renal cell cancer. Also called: MULTIPLE CUTANEOUS AND UTERINE LEIOMYOMATA 1, WITH OR WITHOUT RENAL CELL CARCINOMA; LEIOMYOMA, MULTIPLE CUTANEOUS; Familial leiomyomatosis; FH tumor predisposition syndrome; Reed syndrome; Multiple cutaneous and uterine leiomyomatosis. Identifiers: Orphanet 523, MedGen C1708350, MONDO:0007888, OMIM 150800, HP:0007437. Disease mechanism: loss of function.

Allele frequency attached by ClinVar (database versions not stated): gnomAD exomes below 0.00001; ExAC 0.00001; gnomAD 0.00001.
gnomAD v4.1: 2 of 1,614,044 alleles (0.00012%); highest among the groups gnomAD compares: Admixed American, 0.0017%; no homozygotes.

Submissions (3):

Myriad Genetics, Inc.
Classification: Benign for Hereditary leiomyomatosis and renal cell cancer. Last evaluated: 2024-10-17. Review status: criteria provided, single submitter. Criteria: Myriad Autosomal Dominant, Autosomal Recessive and X-Linked Classification Criteria (2023). Collection method: clinical testing. Allele origin: unknown.
Comment: This variant is considered benign. This variant is a silent/synonymous amino acid change and it is not expected to impact splicing.

Labcorp Genetics (formerly Invitae), Labcorp
Classification: Likely benign. Last evaluated: 2023-09-26. Review status: criteria provided, single submitter. Criteria: Invitae Variant Classification Sherloc (09022015). Collection method: clinical testing. Allele origin: germline.

Ambry Genetics
Classification: Likely benign for Hereditary cancer-predisposing syndrome. Last evaluated: 2022-02-27. Review status: criteria provided, single submitter. Criteria: Ambry Variant Classification Scheme 2023. Collection method: clinical testing. Allele origin: germline.